The following is an entry in ClinVar:

NM_000784.4(CYP27A1):c.988C>T (p.Pro330Ser)

Gene: CYP27A1 (cytochrome P450 family 27 subfamily A member 1; plus strand). Cytogenetic location: 2q35.
Variant type: single nucleotide variant.
Coding change: c.988C>T on transcript NM_000784.4 (MANE Select); coding-DNA position 988, C replaced by T.
Protein change: p.Pro330Ser; replaces proline 330 with serine.
Molecular consequence: missense variant.
Genome position (GRCh38, 1-based): chr2:218,813,067, C>T. VCF-style: chr2-218813067-C-T. GRCh37 (hg19) VCF-style: chr2-219677790-C-T.
Other names: c.988C>T (NM_000784.3); short protein forms P330S.
Identifiers: ClinVar variation 1394795 (VCV001394795.6), dbSNP rs1399829248, ClinGen allele CA350588944.

ClinVar aggregate classification (germline): Uncertain significance. Review status: criteria provided, multiple submitters, no conflicts (2 of 4 stars). 2 submissions from 2 submitters: Uncertain significance (2). Last evaluated 2025-07-21.

Conditions:
CYP27A1-related disorder. Also called: CYP27A1-related condition.
Cholestanol storage disease (CTX). Also called: Cerebrotendinous Xanthomatosis; CTX: Cerebrotendinous xanthomatosis; CEREBRAL CHOLESTERINOSIS. Identifiers: Orphanet 909, MedGen C0238052, MONDO:0008948, OMIM 213700.

Allele frequency attached by ClinVar (database versions not stated): gnomAD exomes below 0.00001 and 0.00001.
gnomAD v4.1: 3 of 1,613,512 alleles (0.00019%); highest among the groups gnomAD compares: Admixed American, 0.0017%; no homozygotes.

Submissions (2):

PreventionGenetics, part of Exact Sciences
Classification: Uncertain significance for CYP27A1-related condition. Last evaluated: 2025-07-21. Review status: criteria provided, single submitter. Criteria: ACMG Guidelines, 2015. Collection method: clinical testing. Allele origin: germline.
Comment: The CYP27A1 c.988C>T variant is predicted to result in the amino acid substitution p.Pro330Ser. To our knowledge, this variant has not been reported in the literature. This variant is reported in 0.0029% of alleles in individuals of Latino descent in gnomAD. At this time, the clinical significance of this variant is uncertain due to the absence of conclusive functional and genetic evidence.

Labcorp Genetics (formerly Invitae), Labcorp
Classification: Uncertain significance for Cholestanol storage disease. Last evaluated: 2021-11-24. Review status: criteria provided, single submitter. Criteria: Invitae Variant Classification Sherloc (09022015). Collection method: clinical testing. Allele origin: germline.
Comment: This sequence change replaces proline, which is neutral and non-polar, with serine, which is neutral and polar, at codon 330 of the CYP27A1 protein (p.Pro330Ser). This variant is present in population databases (no rsID available, gnomAD 0.003%). This variant has not been reported in the literature in individuals affected with CYP27A1-related conditions. Advanced modeling of protein sequence and biophysical properties (such as structural, functional, and spatial information, amino acid conservation, physicochemical variation, residue mobility, and thermodynamic stability) performed at Invitae indicates that this missense variant is not expected to disrupt CYP27A1 protein function. In summary, the available evidence is currently insufficient to determine the role of this variant in disease. Therefore, it has been classified as a Variant of Uncertain Significance.